The following is an entry in ClinVar:

ClinVar aggregate classification (germline): Pathogenic. Review status: criteria provided, single submitter (1 of 4 stars). 2 submissions from 2 submitters: Pathogenic (1). 1 of the submissions does not count toward it. Last evaluated 2022-09-05.

Conditions:
Cystic fibrosis (CF). Also called: MUCOVISCIDOSIS. Identifiers: Orphanet 586, MedGen C0010674, MONDO:0009061, OMIM 219700. Disease mechanism: loss of function.

Allele frequency attached by ClinVar (database versions not stated): ExAC 0.00001; gnomAD exomes 0.00001 and below 0.00001.
gnomAD v4.1: 1 of 1,613,494 alleles (0.000062%); highest among the groups gnomAD compares: South Asian, 0.0011%; no homozygotes.

Submissions (2):

Institute of Human Genetics, University of Leipzig Medical Center
Classification: Pathogenic for Cystic fibrosis. Last evaluated: 2022-09-05. Review status: criteria provided, single submitter. Criteria: ACMG Guidelines, 2015. Collection method: curation. Allele origin: unknown. Affected: yes. Observed: 3 variant alleles.
Comment: This variant was identified in 3 unrelated patients with a clinically confirmed diagnosis of cystic fibrosis. The variant was classified in the context of a project re-classifying variants in the German Cystic Fibrosis Registry (Muko.e.V.). Criteria applied: PVS1, PM3, PM2_SUP, PP4

ClinVar Staff, National Center for Biotechnology Information (NCBI)
No classification provided. Condition: CFTR-related disorders. Review status: no classification provided. Collection method: literature only. Allele origin: germline. Affected: yes. Not counted in ClinVar's aggregate classification.

Literature cited by the submitters: PubMed 21296036 (cited by ClinVar Staff, National Center for Biotechnology Information (NCBI)).

NM_000492.4(CFTR):c.302T>G (p.Leu101Ter)

Gene: CFTR (CF transmembrane conductance regulator; plus strand). Cytogenetic location: 7q31.2.
Variant type: single nucleotide variant.
Coding change: c.302T>G on transcript NM_000492.4 (MANE Select); coding-DNA position 302, T replaced by G.
Protein change: p.Leu101Ter; replaces leucine 101 with a stop codon.
Molecular consequence: nonsense.
Genome position (GRCh38, 1-based): chr7:117,530,927, T>G. VCF-style: chr7-117530927-T-G. GRCh37 (hg19) VCF-style: chr7-117170981-T-G.
Other names: L101X; short protein forms L101*.
Identifiers: ClinVar variation 53633 (VCV000053633.2), dbSNP rs397508484, ClinGen allele CA327020.